The following is an entry in ClinVar:

ClinVar aggregate classification (germline): Pathogenic (1 of 4 stars; one submission).

Conditions:
Severe myoclonic epilepsy in infancy (DRVT). Also called: Epileptic encephalopathy, early infantile, 6 (Dravet syndrome); SEVERE MYOCLONIC EPILEPSY OF INFANCY; DEVELOPMENTAL AND EPILEPTIC ENCEPHALOPATHY 6A; Severe Myoclonic Epilepsy in Infancy (SMEI); Dravet syndrome. Identifiers: Orphanet 33069, MedGen C0751122, MONDO:0100135, OMIM 607208.

Submission:

Center for Bioinformatics, Peking University
Classification: Pathogenic for Dravet syndrome. Last evaluated: 2014-12-20. Review status: criteria provided, single submitter. Criteria: Xu et al. (Hum Mutat. 2015). Collection method: research. Allele origin: de novo. Affected: yes. Observed: 1 variant allele. Study: University Clinical Cooperation “985 Project” PKU-2014-1-1.
Comment: Dravet syndrome (DS) probands were recruited from the outpatient and inpatient child neurology units of Peking University First Hospital from 2005 till present. The study was approved by the Ethics Committee of Peking University First Hospital and the Institutional Review Board at Peking University. Participants or their parents provided written informed consent before enrollment. We collected a total of 267 mutations from 255 families with probands diagnosed with DS in China. All probands fulfilled the clinical diagnostic criteria.

NM_001165963.4(SCN1A):c.5536A>T (p.Lys1846Ter)

Genes: SCN1A (sodium voltage-gated channel alpha subunit 1; minus strand), LOC102724058 (uncharacterized LOC102724058; plus strand). Cytogenetic location: 2q24.3.
Variant type: single nucleotide variant.
Coding change: c.5536A>T on transcript NM_001165963.4 (MANE Select); coding-DNA position 5536, A replaced by T.
Protein change: p.Lys1846Ter; replaces lysine 1846 with a stop codon.
Molecular consequence: nonsense. On other transcripts: non-coding transcript variant (1).
Genome position (GRCh38, 1-based): chr2:165,991,739, T>A on the plus strand (A>T on the coding strand, the complement: SCN1A is on the minus strand). VCF-style: chr2-165991739-T-A. GRCh37 (hg19) VCF-style: chr2-166848249-T-A.
Other names: c.5452A>T, p.Lys1818Ter (NM_001165964.3, NM_001353957.2, NM_001353958.2); c.5536A>T, p.Lys1846Ter (NM_001202435.3, NM_001353948.2); c.5503A>T, p.Lys1835Ter (NM_001353949.2, NM_001353950.2, NM_001353951.2 and 2 more transcripts); c.5500A>T, p.Lys1834Ter (NM_001353954.2, NM_001353955.2); c.5449A>T, p.Lys1817Ter (NM_001353960.2); c.3094A>T, p.Lys1032Ter (NM_001353961.2); short protein forms K1835*, K1846*, K1818*, K1817*, K1834*, K1032*.
Identifiers: ClinVar variation 189859 (VCV000189859.1), dbSNP rs372098964, ClinGen allele CA303126.